The following is an entry in ClinVar:

NM_002951.5(RPN2):c.1750G>T (p.Ala584Ser)

Gene: RPN2 (ribophorin II; plus strand). Cytogenetic location: 20q11.23.
Variant type: single nucleotide variant.
Coding change: c.1750G>T on transcript NM_002951.5 (MANE Select); coding-DNA position 1750, G replaced by T.
Protein change: p.Ala584Ser; replaces alanine 584 with serine.
Molecular consequence: missense variant.
Genome position (GRCh38, 1-based): chr20:37,234,092, G>T. VCF-style: chr20-37234092-G-T. GRCh37 (hg19) VCF-style: chr20-35862495-G-T.
Other names: c.1750G>T (NM_002951.3); c.1654G>T, p.Ala552Ser (NM_001135771.3, NM_001324299.2, NM_001324302.2); c.1798G>T, p.Ala600Ser (NM_001324301.2, NM_001324305.2); c.1750G>T, p.Ala584Ser (NM_001324303.2, NM_001324304.2); c.1279G>T, p.Ala427Ser (NM_001324306.2); short protein forms A427S, A552S, A584S, A600S.
Identifiers: ClinVar variation 3626658 (VCV003626658.3).

ClinVar aggregate classification (germline): Uncertain significance. Review status: criteria provided, multiple submitters, no conflicts (2 of 4 stars). 2 submissions from 2 submitters: Uncertain significance (2). Last evaluated 2025-07-30.

Conditions:
Congenital disorder of glycosylation (CDG). Also called: Carbohydrate-deficient glycoprotein syndrome; Congenital disorders of glycosylation. Identifiers: Orphanet 137, MedGen C0282577, MONDO:0015286.

Submissions (2):

Labcorp Genetics (formerly Invitae), Labcorp
Classification: Uncertain significance for Congenital disorder of glycosylation. Last evaluated: 2025-07-30. Review status: criteria provided, single submitter. Criteria: Invitae Variant Classification Sherloc (09022015). Collection method: clinical testing. Allele origin: germline.
Comment: This sequence change replaces alanine, which is neutral and non-polar, with serine, which is neutral and polar, at codon 584 of the RPN2 protein (p.Ala584Ser). This variant is present in population databases (no rsID available, gnomAD 0.0009%). This variant has not been reported in the literature in individuals affected with RPN2-related conditions. ClinVar contains an entry for this variant (Variation ID: 3626658). An algorithm developed to predict the effect of missense changes on protein structure and function (PolyPhen-2) suggests that this variant is likely to be disruptive. In summary, the available evidence is currently insufficient to determine the role of this variant in disease. Therefore, it has been classified as a Variant of Uncertain Significance.

Ambry Genetics
Classification: Uncertain significance. Last evaluated: 2025-01-18. Review status: criteria provided, single submitter. Criteria: Ambry Variant Classification Scheme 2023. Collection method: clinical testing. Allele origin: germline.